The following is an entry in ClinVar:

NM_017534.6(MYH2):c.4510del (p.Thr1503_Leu1504insTer)

Genes: MYHAS (myosin heavy chain gene cluster antisense RNA; plus strand), MYH2 (myosin heavy chain 2; minus strand), LOC126862500 (BRD4-independent group 4 enhancer GRCh37_chr17:10427829-10429028; plus strand). Cytogenetic location: 17p13.1.
Variant type: Deletion.
Coding change: c.4510del on transcript NM_017534.6 (MANE Select); coding-DNA position 4510, one base deleted (C; older notation c.4510delC).
Protein change: p.Thr1503_Leu1504insTer.
Molecular consequence: nonsense.
Genome position (GRCh38, 1-based): chr17:10,525,478, G deleted on the plus strand (C on the coding strand, the reverse complement: MYH2 is on the minus strand); the first of 3 consecutive G bases (chr17:10,525,478-10,525,480); deleting any one gives the same sequence. VCF-style (leftmost placement, unchanged base first): chr17-10525477-AG-A. GRCh37 (hg19) VCF-style: chr17-10428794-AG-A.
Other names: c.4510del, p.Thr1503_Leu1504insTer (NM_001100112.2).
Identifiers: ClinVar variation 2169656 (VCV002169656.4), dbSNP rs763913836, ClinGen allele CA8390618.

ClinVar aggregate classification (germline): Pathogenic (1 of 4 stars; one submission).

Conditions:
Myopathy, proximal, and ophthalmoplegia (CMYO6). Also called: CONGENITAL MYOPATHY 6 WITH OPHTHALMOPLEGIA; MYOPATHY WITH CONGENITAL JOINT CONTRACTURES, OPHTHALMOPLEGIA, AND RIMMED VACUOLES; INCLUSION BODY MYOPATHY 3, AUTOSOMAL DOMINANT. Identifiers: Orphanet 363677, Orphanet 79091, MedGen C1854106, MONDO:0011577, OMIM 605637.

Submission:

Labcorp Genetics (formerly Invitae), Labcorp
Classification: Pathogenic for Myopathy, proximal, and ophthalmoplegia. Last evaluated: 2023-06-22. Review status: criteria provided, single submitter. Criteria: Invitae Variant Classification Sherloc (09022015). Collection method: clinical testing. Allele origin: germline.
Comment: For these reasons, this variant has been classified as Pathogenic. ClinVar contains an entry for this variant (Variation ID: 2169656). This variant has not been reported in the literature in individuals affected with MYH2-related conditions. This variant is present in population databases (rs763913836, gnomAD 0.0009%). This sequence change creates a premature translational stop signal (p.Leu1504*) in the MYH2 gene. It is expected to result in an absent or disrupted protein product. Loss-of-function variants in MYH2 are known to be pathogenic (PMID: 20418530, 23388406, 24193343).

Literature cited by the submitters: PubMed 20418530; PubMed 23388406; PubMed 24193343.